The following is an entry in ClinVar:

ClinVar aggregate classification (germline): Likely pathogenic (0 of 4 stars; one submission).

Submission:

Diagnostics Centre, Carl Von Ossietzky University Oldenburg
Classification: Likely pathogenic. Last evaluated: 2025-06-11. Review status: no assertion criteria provided. Collection method: clinical testing. Allele origin: germline. Affected: yes. Observed: 1 variant allele.
Comment: The variant WDFY3:c.1268C>A p.(Ser423*), located in the coding exon 11 of the WDFY3 results from a cytosine-to-adenine substitution at nucleotide position c.1268. The serine residue at protein position 423 is replaced by a premature stop codon. The variant affects an exon [11/68] present in a biologically relevant transcript and is predicted to cause protein truncation/absent due to nonsense mediated decay, in a gene where loss-of-function is a known mechanism of disease. The variant has not yet been described on ClinVar or any other scientific publication known to us. The variant is classified as very rare since it is absent in gnomAD v4.1.0. In summary, the variant is classified as Likely pathogenic.

NM_014991.6(WDFY3):c.1268C>A (p.Ser423Ter)

Gene: WDFY3 (WD repeat and FYVE domain containing 3; minus strand). Cytogenetic location: 4q21.23.
Variant type: single nucleotide variant.
Coding change: c.1268C>A on transcript NM_014991.6 (MANE Select); coding-DNA position 1268, C replaced by A.
Protein change: p.Ser423Ter; replaces serine 423 with a stop codon.
Molecular consequence: nonsense.
Genome position (GRCh38, 1-based): chr4:84,821,407, G>T on the plus strand (C>A on the coding strand, the complement: WDFY3 is on the minus strand). VCF-style: chr4-84821407-G-T. GRCh37 (hg19) VCF-style: chr4-85742560-G-T.
Other names: short protein forms S423*.
Identifiers: ClinVar variation 4845264 (VCV004845264.1).